The following is an entry in ClinVar:

NM_001378778.1(MPDZ):c.2651A>T (p.Asp884Val)

Gene: MPDZ (multiple PDZ domain crumbs cell polarity complex component; minus strand). Cytogenetic location: 9p23.
Variant type: single nucleotide variant.
Coding change: c.2651A>T on transcript NM_001378778.1 (MANE Select); coding-DNA position 2651, A replaced by T.
Protein change: p.Asp884Val; replaces aspartic acid 884 with valine.
Molecular consequence: missense variant.
Genome position (GRCh38, 1-based): chr9:13,176,416, T>A on the plus strand (A>T on the coding strand, the complement: MPDZ is on the minus strand). VCF-style: chr9-13176416-T-A. GRCh37 (hg19) VCF-style: chr9-13176415-T-A.
Other names: c.2651A>T, p.Asp884Val (NM_001375425.1, NM_001375426.1, NM_001375427.1 and 14 more transcripts); c.2651A>T (NM_003829.3); short protein forms D884V.
Identifiers: ClinVar variation 1491649 (VCV001491649.9), dbSNP rs1380609358, ClinGen allele CA372935532.
Genomic context (GRCh38, chr9:13,176,416, plus strand): 5'-TATAGTTCCTCCAGAGACATATGCAGATCAAGTACTGGATCACAAGAATTTTCAATAACA[T>A]CCTGGTAGTTAAAAAACAACAACAACAAAACATGAAAAATGTGACCAGAATTACATCAAT-3'
Protein context (NP_001365707.1, residues 874-894): GSSLPSSPPK[Asp884Val]VIENSCDPVL

ClinVar aggregate classification (germline): Uncertain significance. Review status: criteria provided, multiple submitters, no conflicts (2 of 4 stars). 2 submissions from 2 submitters: Uncertain significance (2). Last evaluated 2025-09-28.

Conditions:
Inborn genetic diseases. Identifiers: MedGen C0950123, MeSH D030342.

Allele frequency attached by ClinVar (database versions not stated): gnomAD exomes below 0.00001.
gnomAD v4.1: 4 of 1,542,128 alleles (0.00026%); highest among the groups gnomAD compares: Non-Finnish European, 0.00035%; no homozygotes.

Submissions (2):

Ambry Genetics
Classification: Uncertain significance for Inborn genetic diseases. Last evaluated: 2025-09-28. Review status: criteria provided, single submitter. Criteria: Ambry Variant Classification Scheme 2023. Collection method: clinical testing. Allele origin: germline.

Labcorp Genetics (formerly Invitae), Labcorp
Classification: Uncertain significance. Last evaluated: 2022-08-23. Review status: criteria provided, single submitter. Criteria: Invitae Variant Classification Sherloc (09022015). Collection method: clinical testing. Allele origin: germline.
Comment: In summary, the available evidence is currently insufficient to determine the role of this variant in disease. Therefore, it has been classified as a Variant of Uncertain Significance. Algorithms developed to predict the effect of sequence changes on RNA splicing suggest that this variant may create or strengthen a splice site. Algorithms developed to predict the effect of missense changes on protein structure and function are either unavailable or do not agree on the potential impact of this missense change (SIFT: "Deleterious"; PolyPhen-2: "Benign"; Align-GVGD: "Class C65"). ClinVar contains an entry for this variant (Variation ID: 1491649). This variant has not been reported in the literature in individuals affected with MPDZ-related conditions. This variant is not present in population databases (gnomAD no frequency). This sequence change replaces aspartic acid, which is acidic and polar, with valine, which is neutral and non-polar, at codon 884 of the MPDZ protein (p.Asp884Val).